The following is an entry in ClinVar:

NM_017950.4(CCDC40):c.2612C>T (p.Ser871Leu)

Gene: CCDC40 (coiled-coil domain 40 molecular ruler complex subunit; plus strand). Cytogenetic location: 17q25.3.
Variant type: single nucleotide variant.
Coding change: c.2612C>T on transcript NM_017950.4 (MANE Select); coding-DNA position 2612, C replaced by T.
Protein change: p.Ser871Leu; replaces serine 871 with leucine.
Molecular consequence: missense variant.
Genome position (GRCh38, 1-based): chr17:80,087,769, C>T. VCF-style: chr17-80087769-C-T. GRCh37 (hg19) VCF-style: chr17-78061568-C-T.
Other names: c.2612C>T, p.Ser871Leu (NM_001243342.2); short protein forms S871L.
Identifiers: ClinVar variation 325743 (VCV000325743.15), dbSNP rs367596393, ClinGen allele CA8814252.

ClinVar aggregate classification (germline): Uncertain significance. Review status: criteria provided, multiple submitters, no conflicts (2 of 4 stars). 2 submissions from 2 submitters: Uncertain significance (2). Last evaluated 2019-01-31.

Conditions:
Primary ciliary dyskinesia. Also called: Ciliary dyskinesia. Identifiers: Orphanet 244, MedGen C0008780, MONDO:0016575, HP:0012265.
Primary ciliary dyskinesia 15. Also called: CILIARY DYSKINESIA, PRIMARY, 15, WITH OR WITHOUT SITUS INVERSUS. Identifiers: Orphanet 244, MedGen C3151137, MONDO:0013435, OMIM 613808.

Allele frequency attached by ClinVar (database versions not stated): gnomAD exomes 0.00001 and 0.00004; TOPMed 0.00001; ExAC 0.00002; gnomAD 0.00002 and 0.00003; ESP Exome Variant Server 0.00008.
gnomAD v4.1: 66 of 1,613,862 alleles (0.0041%); highest among the groups gnomAD compares: East Asian, 0.013%; no homozygotes.

Submissions (2):

Labcorp Genetics (formerly Invitae), Labcorp
Classification: Uncertain significance for Primary ciliary dyskinesia. Last evaluated: 2019-01-31. Review status: criteria provided, single submitter. Criteria: Invitae Variant Classification Sherloc (09022015). Collection method: clinical testing. Allele origin: germline.
Comment: In summary, the available evidence is currently insufficient to determine the role of this variant in disease. Therefore, it has been classified as a Variant of Uncertain Significance. Algorithms developed to predict the effect of missense changes on protein structure and function do not agree on the potential impact of this missense change (SIFT: "Deleterious"; PolyPhen-2: "Possibly Damaging"; Align-GVGD: "Class C0"). This variant has not been reported in the literature in individuals with CCDC40-related disease. ClinVar contains an entry for this variant (Variation ID: 325743). This variant is present in population databases (rs367596393, ExAC 0.003%). This sequence change replaces serine with leucine at codon 871 of the CCDC40 protein (p.Ser871Leu). The serine residue is moderately conserved and there is a large physicochemical difference between serine and leucine.

Illumina Laboratory Services, Illumina
Classification: Uncertain significance for Primary ciliary dyskinesia 15. Last evaluated: 2018-01-12. Review status: criteria provided, single submitter. Criteria: ICSL Variant Classification Criteria 13 December 2019. Collection method: clinical testing. Allele origin: germline.